The following is an entry in ClinVar:

ClinVar aggregate classification (germline): Pathogenic (1 of 4 stars; one submission).

Conditions:
Familial cancer of breast. Also called: BREAST CANCER, FAMILIAL; Hereditary breast cancer; hereditary breast carcinoma. Identifiers: Orphanet 227535, MedGen C0346153, MONDO:0016419, OMIM 114480. Disease mechanism: loss of function.

Submission:

Labcorp Genetics (formerly Invitae), Labcorp
Classification: Pathogenic for Familial cancer of breast. Last evaluated: 2019-06-25. Review status: criteria provided, single submitter. Criteria: Invitae Variant Classification Sherloc (09022015). Collection method: clinical testing. Allele origin: germline.
Comment: For these reasons, this variant has been classified as Pathogenic. Loss-of-function variants in CHEK2 are known to be pathogenic (PMID: 21876083, 24713400). This variant has not been reported in the literature in individuals with CHEK2-related conditions. This variant is not present in population databases (ExAC no frequency). This sequence change creates a premature translational stop signal (p.Asn269Serfs*2) in the CHEK2 gene. It is expected to result in an absent or disrupted protein product.

Literature cited by the submitters: PubMed 21876083; PubMed 24713400.

NM_007194.4(CHEK2):c.806_807del (p.Asn269fs)

Gene: CHEK2 (checkpoint kinase 2; minus strand). Cytogenetic location: 22q12.1.
Variant type: Deletion.
Coding change: c.806_807del on transcript NM_007194.4 (MANE Select); coding-DNA positions 806 to 807, 2 bases deleted (AT; older notation c.806_807delAT).
Protein change: p.Asn269fs; shifts the reading frame from asparagine 269.
Molecular consequence: frameshift variant.
Genome position (GRCh38, 1-based): chr22:28,710,045-28,710,046, AT deleted on the plus strand (AT on the coding strand, the reverse complement: CHEK2 is on the minus strand). VCF-style (leftmost placement, unchanged base first): chr22-28710044-CAT-C. GRCh37 (hg19) VCF-style: chr22-29106032-CAT-C.
Other names: c.935_936delAT, p.Asn312Serfs (NM_001005735.3); c.143_144delAT, p.Asn48Serfs (NM_001257387.3); c.605_606delAT, p.Asn202Serfs (NM_001349956.3); c.806_807delAT, p.Asn269Serfs (NM_145862.3); short protein forms N48fs, N312fs, N202fs, N269fs.
Identifiers: ClinVar variation 952439 (VCV000952439.8), dbSNP rs2053335818, ClinGen allele CA1139666362.